The following is an entry in ClinVar:

ClinVar aggregate classification (germline): Uncertain significance (1 of 4 stars; one submission).

Conditions:
Inborn genetic diseases. Identifiers: MedGen C0950123, MeSH D030342.

Submission:

Ambry Genetics
Classification: Uncertain significance for Inborn genetic diseases. Last evaluated: 2025-10-14. Review status: criteria provided, single submitter. Criteria: Ambry Variant Classification Scheme 2023. Collection method: clinical testing. Allele origin: germline.
Comment: The c.1554_1556delTGA (p.D519del) alteration is located in exon 15 (coding exon 15) of the PLCB1 gene. This alteration consists of an in-frame deletion of 3 nucleotides between nucleotide positions c.1554 and c.1556, resulting in the deletion of 1 residue. Based on data from gnomAD, the --- allele has an overall frequency of 0.002% (5/246746) total alleles studied. The highest observed frequency was 0.013% (2/15856) of African alleles. Based on insufficient or conflicting evidence, the clinical significance of this alteration remains unclear.

NM_015192.4(PLCB1):c.1545TGA[3] (p.Asp519del)

Gene: PLCB1 (phospholipase C beta 1; plus strand). Cytogenetic location: 20p12.3.
Variant type: Microsatellite.
Coding change: c.1545TGA[3] on transcript NM_015192.4 (MANE Select); three copies in a row of the 3-base unit TGA starting at c.1545; the reference has four copies in a row; one copy, 3 bases deleted.
Protein change: p.Asp519del; deletes aspartic acid 519.
Molecular consequence: inframe deletion.
Genome position (GRCh38, 1-based): chr20:8,722,394-8,722,396, TGA deleted; deleting any 3 consecutive bases within chr20:8,722,383-8,722,396 gives the same sequence; the position shown is the placement nearest the transcript's 3' end. VCF-style (leftmost placement, unchanged base first): chr20-8722382-CGAT-C. GRCh37 (hg19) VCF-style: chr20-8703029-CGAT-C.
Other names: c.1545TGA[3], p.Asp519del (NM_182734.3); short protein forms D519del.
Identifiers: ClinVar variation 4627881 (VCV004627881.1).